The following is an entry in ClinVar:

NM_000293.3(PHKB):c.2567A>G (p.His856Arg)

Gene: PHKB (phosphorylase kinase regulatory subunit beta; plus strand). Cytogenetic location: 16q12.1.
Variant type: single nucleotide variant.
Coding change: c.2567A>G on transcript NM_000293.3 (MANE Select); coding-DNA position 2567, A replaced by G.
Protein change: p.His856Arg; replaces histidine 856 with arginine.
Molecular consequence: missense variant.
Genome position (GRCh38, 1-based): chr16:47,669,354, A>G. VCF-style: chr16-47669354-A-G. GRCh37 (hg19) VCF-style: chr16-47703265-A-G.
Other names: c.2546A>G, p.His849Arg (NM_001031835.3); c.2567A>G, p.His856Arg (NM_001363837.1); short protein forms H856R, H849R.
Identifiers: ClinVar variation 3417764 (VCV003417764.2).

ClinVar aggregate classification (germline): Uncertain significance. Review status: criteria provided, multiple submitters, no conflicts (2 of 4 stars). 2 submissions from 2 submitters: Uncertain significance (2). Last evaluated 2024-11-26.

Conditions:
Glycogen storage disease IXb (GSD9B). Also called: GLYCOGENOSIS OF LIVER AND MUSCLE, AUTOSOMAL RECESSIVE; GSD IXb; PHOSPHORYLASE KINASE DEFICIENCY OF LIVER AND MUSCLE, AUTOSOMAL RECESSIVE. Identifiers: Orphanet 79240, MedGen C0543514, MONDO:0009868, OMIM 261750.
Inborn genetic diseases. Identifiers: MedGen C0950123, MeSH D030342.

gnomAD v4.1: 8 of 1,614,098 alleles (0.0005%); highest among the groups gnomAD compares: Non-Finnish European, 0.00068%; no homozygotes.

Submissions (2):

Ambry Genetics
Classification: Uncertain significance for Inborn genetic diseases. Last evaluated: 2024-11-26. Review status: criteria provided, single submitter. Criteria: Ambry Variant Classification Scheme 2023. Collection method: clinical testing. Allele origin: germline.

Labcorp Genetics (formerly Invitae), Labcorp
Classification: Uncertain significance for Glycogen storage disease IXb. Last evaluated: 2024-04-27. Review status: criteria provided, single submitter. Criteria: Invitae Variant Classification Sherloc (09022015). Collection method: clinical testing. Allele origin: germline.
Comment: This sequence change replaces histidine, which is basic and polar, with arginine, which is basic and polar, at codon 856 of the PHKB protein (p.His856Arg). This variant is not present in population databases (gnomAD no frequency). This variant has not been reported in the literature in individuals affected with PHKB-related conditions. An algorithm developed to predict the effect of missense changes on protein structure and function (PolyPhen-2) suggests that this variant is likely to be disruptive. In summary, the available evidence is currently insufficient to determine the role of this variant in disease. Therefore, it has been classified as a Variant of Uncertain Significance.